The following is an entry in ClinVar:

ClinVar aggregate classification (germline): Likely benign. Review status: criteria provided, single submitter (1 of 4 stars). 2 submissions from 2 submitters: Likely benign (1). 1 of the submissions does not count toward it. Last evaluated 2025-05-18.

Conditions:
Nephronophthisis. Also called: Juvenile Nephronophthisis. Identifiers: Orphanet 655, MedGen C0687120, MONDO:0019005, HP:0000090.
NPHP4-related disorder. Also called: NPHP4-related condition; NPHP4-related disorders. Identifiers: MedGen CN239384.

Allele frequency attached by ClinVar (database versions not stated): gnomAD exomes below 0.00001; gnomAD 0.00002 and 0.00003; TOPMed 0.00002.
gnomAD v4.1: 12 of 1,583,804 alleles (0.00076%); highest among the groups gnomAD compares: African/African-American, 0.016%; no homozygotes.

Submissions (2):

Labcorp Genetics (formerly Invitae), Labcorp
Classification: Likely benign for Nephronophthisis. Last evaluated: 2025-05-18. Review status: criteria provided, single submitter. Criteria: Invitae Variant Classification Sherloc (09022015). Collection method: clinical testing. Allele origin: germline.

PreventionGenetics, part of Exact Sciences
Classification: Likely benign for NPHP4-related condition. Last evaluated: 2021-11-09. Review status: no assertion criteria provided. Collection method: clinical testing. Allele origin: germline. Not counted in ClinVar's aggregate classification.
Comment: This variant is classified as likely benign based on ACMG/AMP sequence variant interpretation guidelines (Richards et al. 2015 PMID: 25741868, with internal and published modifications).

NM_015102.5(NPHP4):c.3561C>T (p.Gly1187=)

Gene: NPHP4 (nephrocystin 4; minus strand). Cytogenetic location: 1p36.31.
Variant type: single nucleotide variant.
Coding change: c.3561C>T on transcript NM_015102.5 (MANE Select); coding-DNA position 3561, C replaced by T.
Protein change: p.Gly1187=; no amino-acid change (glycine 1187 retained).
Molecular consequence: synonymous variant. On other transcripts: non-coding transcript variant (1).
Genome position (GRCh38, 1-based): chr1:5,866,456, G>A on the plus strand (C>T on the coding strand, the complement: NPHP4 is on the minus strand). VCF-style: chr1-5866456-G-A. GRCh37 (hg19) VCF-style: chr1-5926516-G-A.
Other names: c.2022C>T, p.Gly674= (NM_001291593.2); c.2025C>T, p.Gly675= (NM_001291594.2); c.3561C>T (NM_015102.4).
Identifiers: ClinVar variation 1157773 (VCV001157773.11), dbSNP rs1041168838, ClinGen allele CA17129892.